The following is an entry in ClinVar:

ClinVar aggregate classification (germline): Uncertain significance. Review status: criteria provided, multiple submitters, no conflicts (2 of 4 stars). 4 submissions from 4 submitters: Uncertain significance (4). Last evaluated 2025-06-21.

Conditions:
Patterned macular dystrophy 2. Identifiers: Orphanet 99001, MedGen C1837029, MONDO:0012162, OMIM 608970.
Hereditary cancer-predisposing syndrome. Also called: Neoplastic Syndromes, Hereditary; Tumor predisposition; Hereditary neoplastic syndrome; Hereditary Cancer Syndrome. Identifiers: Orphanet 140162, MedGen C0027672, MeSH D009386, MONDO:0015356.

Allele frequency attached by ClinVar (database versions not stated): gnomAD exomes below 0.00001; TOPMed below 0.00001.
gnomAD v4.1: 1 of 1,614,194 alleles (0.000062%); highest among the groups gnomAD compares: Non-Finnish European, 0.000085%; no homozygotes.

Submissions (4):

Ambry Genetics
Classification: Uncertain significance for Hereditary cancer-predisposing syndrome. Last evaluated: 2025-06-21. Review status: criteria provided, single submitter. Criteria: Ambry Variant Classification Scheme 2023. Collection method: clinical testing. Allele origin: germline.
Comment: The p.D613E variant (also known as c.1839T>A), located in coding exon 12 of the CTNNA1 gene, results from a T to A substitution at nucleotide position 1839. The aspartic acid at codon 613 is replaced by glutamic acid, an amino acid with highly similar properties. This amino acid position is highly conserved in available vertebrate species. In addition, this alteration is predicted to be tolerated by in silico analysis. Since supporting evidence is limited at this time, the clinical significance of this alteration remains unclear.

Fulgent Genetics
Classification: Uncertain significance for Patterned macular dystrophy 2. Last evaluated: 2024-03-13. Review status: criteria provided, single submitter. Criteria: ACMG Guidelines, 2015. Collection method: clinical testing. Allele origin: germline.

Labcorp Genetics (formerly Invitae), Labcorp
Classification: Uncertain significance. Last evaluated: 2024-01-29. Review status: criteria provided, single submitter. Criteria: Invitae Variant Classification Sherloc (09022015). Collection method: clinical testing. Allele origin: germline.
Comment: This sequence change replaces aspartic acid, which is acidic and polar, with glutamic acid, which is acidic and polar, at codon 613 of the CTNNA1 protein (p.Asp613Glu). This variant is not present in population databases (gnomAD no frequency). This variant has not been reported in the literature in individuals affected with CTNNA1-related conditions. ClinVar contains an entry for this variant (Variation ID: 960952). Advanced modeling of protein sequence and biophysical properties (such as structural, functional, and spatial information, amino acid conservation, physicochemical variation, residue mobility, and thermodynamic stability) performed at Invitae indicates that this missense variant is not expected to disrupt CTNNA1 protein function with a negative predictive value of 80%. In summary, the available evidence is currently insufficient to determine the role of this variant in disease. Therefore, it has been classified as a Variant of Uncertain Significance.

Blueprint Genetics
Classification: Uncertain significance. Last evaluated: 2023-05-10. Review status: criteria provided, single submitter. Criteria: ACMG Guidelines, 2015. Collection method: clinical testing. Allele origin: germline.

NM_001903.5(CTNNA1):c.1839T>A (p.Asp613Glu)

Gene: CTNNA1 (catenin alpha 1; plus strand). Cytogenetic location: 5q31.2.
Variant type: single nucleotide variant.
Coding change: c.1839T>A on transcript NM_001903.5 (MANE Select); coding-DNA position 1839, T replaced by A.
Protein change: p.Asp613Glu; replaces aspartic acid 613 with glutamic acid.
Molecular consequence: missense variant.
Genome position (GRCh38, 1-based): chr5:138,925,347, T>A. VCF-style: chr5-138925347-T-A. GRCh37 (hg19) VCF-style: chr5-138261036-T-A.
Other names: c.729T>A, p.Asp243Glu (NM_001323993.1, NM_001323994.1, NM_001323995.1 and 17 more transcripts); c.1839T>A, p.Asp613Glu (NM_001290307.3, NM_001323982.2, NM_001323983.1 and 2 more transcripts); c.1530T>A, p.Asp510Glu (NM_001290309.3); c.1470T>A, p.Asp490Glu (NM_001290310.3); c.1746T>A, p.Asp582Glu (NM_001323986.2); c.390T>A, p.Asp130Glu (NM_001324006.1, NM_001324007.1, NM_001324008.1 and 2 more transcripts); c.636T>A, p.Asp212Glu (NM_001324011.1); c.486T>A, p.Asp162Glu (NM_001324012.1, NM_001324013.1); short protein forms D212E, D510E, D130E, D243E, D162E, D490E, D613E, D582E.
Identifiers: ClinVar variation 960952 (VCV000960952.15), dbSNP rs1763786362, ClinGen allele CA361132322.
Genomic context (GRCh38, chr5:138,925,347, plus strand): 5'-AGCCGTGGAAGCCCTCAGCTCGGACCCTGCCCAGCCCATGGATGAGAATGAGTTTATCGA[T>A]GCTTCCCGCCTGGTATATGATGGCATCCGGGACATCAGGAAAGCAGTGCTGATGATAAGG-3'
Protein context (NP_001894.2, residues 603-623): AQPMDENEFI[Asp613Glu]ASRLVYDGIR